The following is an entry in ClinVar:

ClinVar aggregate classification (germline): Pathogenic/Likely pathogenic. Review status: criteria provided, multiple submitters, no conflicts (2 of 4 stars). 3 submissions from 3 submitters: Pathogenic (2); Likely pathogenic (1). Last evaluated 2022-07-13.

Conditions:
LAMA2-related muscular dystrophy (LAMA2-RD). Also called: Laminin alpha 2-related dystrophy. Identifiers: MedGen C5679788, MONDO:0100228.

Submissions (3):

Labcorp Genetics (formerly Invitae), Labcorp
Classification: Pathogenic for LAMA2-related muscular dystrophy. Last evaluated: 2022-07-13. Review status: criteria provided, single submitter. Criteria: Invitae Variant Classification Sherloc (09022015). Collection method: clinical testing. Allele origin: germline.
Comment: For these reasons, this variant has been classified as Pathogenic. ClinVar contains an entry for this variant (Variation ID: 449934). This premature translational stop signal has been observed in individual(s) with limb girdle muscular dystrophy (PMID: 34103343). This variant is not present in population databases (gnomAD no frequency). This sequence change creates a premature translational stop signal (p.Gln21Glyfs*28) in the LAMA2 gene. It is expected to result in an absent or disrupted protein product. Loss-of-function variants in LAMA2 are known to be pathogenic (PMID: 18700894, 32904964).

Revvity Omics, Revvity
Classification: Pathogenic. Last evaluated: 2019-08-08. Review status: criteria provided, single submitter. Criteria: ACMG Guidelines, 2015. Collection method: clinical testing. Allele origin: germline.

GeneDx
Classification: Likely pathogenic. Last evaluated: 2017-04-10. Review status: criteria provided, single submitter. Criteria: GeneDx Variant Classification (06012015). Collection method: clinical testing. Allele origin: germline. Affected: yes.
Comment: The c.61_62delCA variant in the LAMA2 gene causes a frameshift starting with codon Glutamine 21 and changes this amino acid to a Glycine residue and creates a premature Stop codon at position 28 of the new reading frame, denoted p.Gln21GlyfsX28. This variant is predicted to cause loss of normal protein function either through protein truncation or nonsense-mediated mRNA decay. Furthermore, the c.61_62delCA variant is not observed at a significant frequency in large population cohorts (Lek et al., 2016; 1000 Genomes Consortium et al., 2015; Exome Variant Server). Although this variant has not been reported previously to our knowledge, other truncating variants in the LAMA2 gene have been reported in association with LAMA2-related disorders (Stenson et al., 2014). Therefore, we interpret c.61_62delCA as a likely pathogenic variant.

Literature cited by the submitters: PubMed 34103343 (cited by Labcorp Genetics (formerly Invitae), Labcorp); PubMed 18700894 (cited by Labcorp Genetics (formerly Invitae), Labcorp); PubMed 32904964 (cited by Labcorp Genetics (formerly Invitae), Labcorp).

NM_000426.4(LAMA2):c.61_62del (p.Gln21fs)

Gene: LAMA2 (laminin subunit alpha 2; plus strand). Cytogenetic location: 6q22.33.
Variant type: Deletion.
Coding change: c.61_62del on transcript NM_000426.4 (MANE Select); coding-DNA positions 61 to 62, 2 bases deleted (CA; older notation c.61_62delCA).
Protein change: p.Gln21fs; shifts the reading frame from glutamine 21.
Molecular consequence: frameshift variant.
Genome position (GRCh38, 1-based): chr6:128,883,306-128,883,307, CA deleted; deleting any 2 consecutive bases within chr6:128,883,305-128,883,307 gives the same sequence; the c. name uses the placement nearest the transcript's 3' end. VCF-style (leftmost placement, unchanged base first): chr6-128883304-TAC-T. GRCh37 (hg19) VCF-style: chr6-129204449-TAC-T.
Other names: c.61_62del, p.Gln21fs (NM_001079823.2); c.61_62delCA (NM_000426.3); short protein forms Q21fs.
Identifiers: ClinVar variation 449934 (VCV000449934.10), dbSNP rs1554312687, ClinGen allele CA658657612.